The following is an entry in ClinVar:

NM_003922.4(HERC1):c.9742C>T (p.Arg3248Ter)

Gene: HERC1 (HECT and RLD domain containing E3 ubiquitin protein ligase family member 1; minus strand). Cytogenetic location: 15q22.31.
Variant type: single nucleotide variant.
Coding change: c.9742C>T on transcript NM_003922.4 (MANE Select); coding-DNA position 9742, C replaced by T.
Protein change: p.Arg3248Ter; replaces arginine 3248 with a stop codon.
Molecular consequence: nonsense.
Genome position (GRCh38, 1-based): chr15:63,656,216, G>A on the plus strand (C>T on the coding strand, the complement: HERC1 is on the minus strand). VCF-style: chr15-63656216-G-A. GRCh37 (hg19) VCF-style: chr15-63948415-G-A.
Other names: short protein forms R3248*.
Identifiers: ClinVar variation 2575045 (VCV002575045.4), dbSNP rs554917974, ClinGen allele CA272106804.

ClinVar aggregate classification (germline): Pathogenic/Likely pathogenic. Review status: criteria provided, multiple submitters, no conflicts (2 of 4 stars). 2 submissions from 2 submitters: Pathogenic (1); Likely pathogenic (1). Last evaluated 2023-08-02.

Allele frequency attached by ClinVar (database versions not stated): gnomAD 0.00001; 1000 Genomes Project 30x 0.00016; 1000 Genomes Project 0.00020.
gnomAD v4.1: 3 of 1,613,362 alleles (0.00019%); highest among the groups gnomAD compares: East Asian, 0.0022%; no homozygotes.

Submissions (2):

GeneDx
Classification: Likely pathogenic. Last evaluated: 2023-08-02. Review status: criteria provided, single submitter. Criteria: GeneDx Variant Classification Process June 2021. Collection method: clinical testing. Allele origin: germline. Affected: yes.
Comment: Has not been previously published as pathogenic or benign to our knowledge; Nonsense variant predicted to result in protein truncation or nonsense mediated decay in a gene for which loss of function is a known mechanism of disease; Not observed at significant frequency in large population cohorts (gnomAD)

Labcorp Genetics (formerly Invitae), Labcorp
Classification: Pathogenic. Last evaluated: 2023-03-10. Review status: criteria provided, single submitter. Criteria: Invitae Variant Classification Sherloc (09022015). Collection method: clinical testing. Allele origin: germline.
Comment: This sequence change creates a premature translational stop signal (p.Arg3248*) in the HERC1 gene. It is expected to result in an absent or disrupted protein product. Loss-of-function variants in HERC1 are known to be pathogenic (PMID: 26138117, 26153217, 27108999). For these reasons, this variant has been classified as Pathogenic. This variant has not been reported in the literature in individuals affected with HERC1-related conditions. The frequency data for this variant in the population databases is considered unreliable, as metrics indicate poor data quality at this position in the gnomAD database.

Literature cited by the submitters: PubMed 26138117 (cited by Labcorp Genetics (formerly Invitae), Labcorp); PubMed 26153217 (cited by Labcorp Genetics (formerly Invitae), Labcorp); PubMed 27108999 (cited by Labcorp Genetics (formerly Invitae), Labcorp).